The following is an entry in ClinVar:

NM_006767.4(LZTR1):c.975G>T (p.Gln325His)

Gene: LZTR1 (leucine zipper like post translational regulator 1; plus strand). Cytogenetic location: 22q11.21.
Variant type: single nucleotide variant.
Coding change: c.975G>T on transcript NM_006767.4 (MANE Select); coding-DNA position 975, G replaced by T.
Protein change: p.Gln325His; replaces glutamine 325 with histidine.
Molecular consequence: missense variant.
Genome position (GRCh38, 1-based): chr22:20,991,811, G>T. VCF-style: chr22-20991811-G-T. GRCh37 (hg19) VCF-style: chr22-21346100-G-T.
Other names: short protein forms Q325H.
Identifiers: ClinVar variation 561694 (VCV000561694.2), dbSNP rs1569156085, ClinGen allele CA410781616.

ClinVar aggregate classification (germline): Uncertain significance. Review status: criteria provided, multiple submitters, no conflicts (2 of 4 stars). 2 submissions from 2 submitters: Uncertain significance (2). Last evaluated 2026-08-22.

Conditions:
Cardiovascular phenotype. Identifiers: MedGen CN230736.
Hereditary cancer-predisposing syndrome. Also called: Hereditary Cancer Syndrome; Tumor predisposition; Hereditary neoplastic syndrome; Neoplastic Syndromes, Hereditary. Identifiers: Orphanet 140162, MedGen C0027672, MeSH D009386, MONDO:0015356.

Submissions (2):

Ambry Genetics
Classification: Uncertain significance for Cardiovascular phenotype; Hereditary cancer-predisposing syndrome. Last evaluated: 2026-08-22. Review status: criteria provided, single submitter. Criteria: Ambry Variant Classification Scheme 2023. Collection method: clinical testing. Allele origin: germline.
Comment: The p.Q325H variant (also known as c.975G>T), located in coding exon 9 of the LZTR1 gene, results from a G to T substitution at nucleotide position 975. The glutamine at codon 325 is replaced by histidine, an amino acid with highly similar properties. This amino acid position is conserved. In addition, this alteration is predicted to be tolerated by in silico analysis. Based on the available evidence, the clinical significance of this variant remains unclear.

GeneDx
Classification: Uncertain significance. Last evaluated: 2017-11-13. Review status: criteria provided, single submitter. Criteria: GeneDx Variant Classification (06012015). Collection method: clinical testing. Allele origin: germline. Affected: yes.
Comment: The Q325H variant has not been published as a pathogenic variant, nor has it been reported as a benign variant to our knowledge. The variant is not observed in large population cohorts (Lek et al., 2016). Q325H is a semi-conservative amino acid substitution, which may impact secondary protein structure as these residues differ in some properties. However, in-silico analyses, including protein predictors and evolutionary conservation, support that this variant does not alter protein structure/function. In summary, based on the currently available information, it is unclear whether this variant is a pathogenic variant or a rare benign variant.